The following is an entry in ClinVar:

NM_205768.3(ZBTB18):c.629C>G (p.Ala210Gly)

Gene: ZBTB18 (zinc finger and BTB domain containing 18; plus strand). Cytogenetic location: 1q44.
Variant type: single nucleotide variant.
Coding change: c.629C>G on transcript NM_205768.3 (MANE Select); coding-DNA position 629, C replaced by G.
Protein change: p.Ala210Gly; replaces alanine 210 with glycine.
Molecular consequence: missense variant.
Genome position (GRCh38, 1-based): chr1:244,054,403, C>G. VCF-style: chr1-244054403-C-G. GRCh37 (hg19) VCF-style: chr1-244217705-C-G.
Other names: c.602C>G, p.Ala201Gly (NM_001278196.2, NM_006352.5); c.629C>G, p.Ala210Gly (NM_001421566.1); short protein forms A201G, A210G.
Identifiers: ClinVar variation 2640217 (VCV002640217.24), dbSNP rs1452692872, ClinGen allele CA345673343.

ClinVar aggregate classification (germline): Uncertain significance (1 of 4 stars; one submission).

Submission:

CeGaT Center for Human Genetics Tuebingen
Classification: Uncertain significance. Last evaluated: 2023-03-01. Review status: criteria provided, single submitter. Criteria: CeGaT Center For Human Genetics Tuebingen Variant Classification Criteria Version 2. Collection method: clinical testing. Allele origin: germline. Affected: yes. Observed: 1 variant allele.
Comment: ZBTB18: PM2, PP2, BP4